The following is an entry in ClinVar:

ClinVar aggregate classification (germline): Uncertain significance (1 of 4 stars; one submission).

Submission:

Labcorp Genetics (formerly Invitae), Labcorp
Classification: Uncertain significance. Last evaluated: 2024-02-17. Review status: criteria provided, single submitter. Criteria: Invitae Variant Classification Sherloc (09022015). Collection method: clinical testing. Allele origin: germline.
Comment: This sequence change replaces aspartic acid, which is acidic and polar, with glycine, which is neutral and non-polar, at codon 479 of the IFNAR1 protein (p.Asp479Gly). This variant is not present in population databases (gnomAD no frequency). This variant has not been reported in the literature in individuals affected with IFNAR1-related conditions. ClinVar contains an entry for this variant (Variation ID: 1348144). An algorithm developed to predict the effect of missense changes on protein structure and function (PolyPhen-2) suggests that this variant is likely to be tolerated. Algorithms developed to predict the effect of sequence changes on RNA splicing suggest that this variant may disrupt the consensus splice site. In summary, the available evidence is currently insufficient to determine the role of this variant in disease. Therefore, it has been classified as a Variant of Uncertain Significance.

NM_000629.3(IFNAR1):c.1436A>G (p.Asp479Gly)

Gene: IFNAR1 (interferon alpha and beta receptor subunit 1; plus strand). Cytogenetic location: 21q22.11.
Variant type: single nucleotide variant.
Coding change: c.1436A>G on transcript NM_000629.3 (MANE Select); coding-DNA position 1436, A replaced by G.
Protein change: p.Asp479Gly; replaces aspartic acid 479 with glycine.
Molecular consequence: missense variant. On other transcripts: intron variant (1).
Genome position (GRCh38, 1-based): chr21:33,353,779, A>G. VCF-style: chr21-33353779-A-G. GRCh37 (hg19) VCF-style: chr21-34726085-A-G.
Other names: c.674A>G, p.Asp225Gly (NM_001384500.1); c.1421A>G, p.Asp474Gly (NM_001384501.1); c.974A>G, p.Asp325Gly (NM_001384502.1); c.1436A>G, p.Asp479Gly (NM_001384503.1, NM_001384498.1); c.1229A>G, p.Asp410Gly (NM_001384504.1); c.1294+871A>G (NM_001384499.1); short protein forms D325G, D410G, D474G, D479G, D225G.
Identifiers: ClinVar variation 1348144 (VCV001348144.8), dbSNP rs2123273062, ClinGen allele CA410110774.